The following is an entry in ClinVar:

NM_177438.3(DICER1):c.4618G>A (p.Gly1540Arg)

Gene: DICER1 (dicer 1, ribonuclease III; minus strand). Cytogenetic location: 14q32.13.
Variant type: single nucleotide variant.
Coding change: c.4618G>A on transcript NM_177438.3 (MANE Select); coding-DNA position 4618, G replaced by A.
Protein change: p.Gly1540Arg; replaces glycine 1540 with arginine.
Molecular consequence: missense variant. On other transcripts: non-coding transcript variant (6).
Genome position (GRCh38, 1-based): chr14:95,096,302, C>T on the plus strand (G>A on the coding strand, the complement: DICER1 is on the minus strand). VCF-style: chr14-95096302-C-T. GRCh37 (hg19) VCF-style: chr14-95562639-C-T.
Other names: c.4618G>A, p.Gly1540Arg (NM_001195573.1, NM_001271282.3, NM_001291628.2 and 13 more transcripts); c.4336G>A, p.Gly1446Arg (NM_001395686.1); c.4213G>A, p.Gly1405Arg (NM_001395687.1, NM_001395688.1, NM_001395689.1 and 2 more transcripts); c.4051G>A, p.Gly1351Arg (NM_001395691.1); c.2935G>A, p.Gly979Arg (NM_001395697.1); short protein forms G1351R, G1405R, G1446R, G1540R, G979R.
Identifiers: ClinVar variation 2832984 (VCV002832984.4), dbSNP rs2139847173, ClinGen allele CA390867683.
Genomic context (GRCh38, chr14:95,096,302, plus strand): 5'-CTATGCTTTTGTCAGCAATACACTGCTCAGTGTGCAAGTCGTAAGAAATGGACTGCTTTC[C>T]CGTGTCAACACCACAGTTTTCTTCTGATGGATTCCAGAACCCCACCACAAAGTCATCTTC-3'
Protein context (NP_803187.1, residues 1530-1550): PSEENCGVDT[Gly1540Arg]KQSISYDLHT

ClinVar aggregate classification (germline): Uncertain significance. Review status: criteria provided, multiple submitters, no conflicts (2 of 4 stars). 2 submissions from 2 submitters: Uncertain significance (2). Last evaluated 2024-06-15.

Conditions:
DICER1-related tumor predisposition. Also called: DICER1-related pleuropulmonary blastoma cancer predisposition syndrome; DICER1 syndrome. Identifiers: Orphanet 284343, MedGen C3839822, MONDO:0100216.
Hereditary cancer-predisposing syndrome. Also called: Neoplastic Syndromes, Hereditary; Tumor predisposition; Hereditary Cancer Syndrome; Hereditary neoplastic syndrome. Identifiers: Orphanet 140162, MedGen C0027672, MeSH D009386, MONDO:0015356.

Allele frequency attached by ClinVar (database versions not stated): gnomAD exomes below 0.00001.
gnomAD v4.1: 2 of 1,614,192 alleles (0.00012%); highest among the groups gnomAD compares: Non-Finnish European, 0.00017%; no homozygotes.

Submissions (2):

Ambry Genetics
Classification: Uncertain significance for Hereditary cancer-predisposing syndrome. Last evaluated: 2024-06-15. Review status: criteria provided, single submitter. Criteria: Ambry Variant Classification Scheme 2023. Collection method: clinical testing. Allele origin: germline.
Comment: The p.G1540R variant (also known as c.4618G>A), located in coding exon 22 of the DICER1 gene, results from a G to A substitution at nucleotide position 4618. The glycine at codon 1540 is replaced by arginine, an amino acid with dissimilar properties. This amino acid position is conserved. In addition, this alteration is predicted to be deleterious by in silico analysis. Based on the available evidence, the clinical significance of this variant remains unclear.

Labcorp Genetics (formerly Invitae), Labcorp
Classification: Uncertain significance for DICER1-related tumor predisposition. Last evaluated: 2023-06-02. Review status: criteria provided, single submitter. Criteria: Invitae Variant Classification Sherloc (09022015). Collection method: clinical testing. Allele origin: germline.
Comment: In summary, the available evidence is currently insufficient to determine the role of this variant in disease. Therefore, it has been classified as a Variant of Uncertain Significance. Advanced modeling of protein sequence and biophysical properties (such as structural, functional, and spatial information, amino acid conservation, physicochemical variation, residue mobility, and thermodynamic stability) has been performed at Invitae for this missense variant, however the output from this modeling did not meet the statistical confidence thresholds required to predict the impact of this variant on DICER1 protein function. This variant has not been reported in the literature in individuals affected with DICER1-related conditions. This variant is not present in population databases (gnomAD no frequency). This sequence change replaces glycine, which is neutral and non-polar, with arginine, which is basic and polar, at codon 1540 of the DICER1 protein (p.Gly1540Arg).